The following is an entry in ClinVar:

NM_004998.4(MYO1E):c.772A>G (p.Thr258Ala)

Gene: MYO1E (myosin IE; minus strand). Cytogenetic location: 15q22.2.
Variant type: single nucleotide variant.
Coding change: c.772A>G on transcript NM_004998.4 (MANE Select); coding-DNA position 772, A replaced by G.
Protein change: p.Thr258Ala; replaces threonine 258 with alanine.
Molecular consequence: missense variant.
Genome position (GRCh38, 1-based): chr15:59,224,694, T>C on the plus strand (A>G on the coding strand, the complement: MYO1E is on the minus strand). VCF-style: chr15-59224694-T-C. GRCh37 (hg19) VCF-style: chr15-59516893-T-C.
Other names: c.772A>G (NM_004998.2); short protein forms T258A.
Identifiers: ClinVar variation 1042305 (VCV001042305.7), dbSNP rs369774689, ClinGen allele CA7590220.
Genomic context (GRCh38, chr15:59,224,694, plus strand): 5'-CAGGAAATGGCCAGTTGGGAGAGCAGATCCTGCCTGGCCCTGCGCCAGCACTTACCAGAG[T>C]TTCCTGAAACTCCCGCCTGTCGTCAATGTCATCAACCTTGTATGAGCCCGAGAGGCTCAG-3'
Protein context (NP_004989.2, residues 248-268): DIDDRREFQE[Thr258Ala]LHAMNVIGIF

ClinVar aggregate classification (germline): Uncertain significance. Review status: criteria provided, multiple submitters, no conflicts (2 of 4 stars). 3 submissions from 3 submitters: Uncertain significance (3). Last evaluated 2024-09-05.

Conditions:
Focal segmental glomerulosclerosis 6 (FSGS6). Identifiers: Orphanet 656, MedGen C3279905, MONDO:0013589, OMIM 614131.
Inborn genetic diseases. Identifiers: MedGen C0950123, MeSH D030342.

Allele frequency attached by ClinVar (database versions not stated): ESP Exome Variant Server 0.00008; ExAC 0.00013; gnomAD exomes 0.00013 and 0.00017; gnomAD 0.00023 and 0.00026; TOPMed 0.00033.
gnomAD v4.1: 244 of 1,613,888 alleles (0.015%); highest among the groups gnomAD compares: Admixed American, 0.063%; no homozygotes.

Submissions (3):

Labcorp Genetics (formerly Invitae), Labcorp
Classification: Uncertain significance. Last evaluated: 2024-09-05. Review status: criteria provided, single submitter. Criteria: Invitae Variant Classification Sherloc (09022015). Collection method: clinical testing. Allele origin: germline.
Comment: This sequence change replaces threonine, which is neutral and polar, with alanine, which is neutral and non-polar, at codon 258 of the MYO1E protein (p.Thr258Ala). This variant is present in population databases (rs369774689, gnomAD 0.07%). This variant has not been reported in the literature in individuals affected with MYO1E-related conditions. ClinVar contains an entry for this variant (Variation ID: 1042305). Invitae Evidence Modeling of protein sequence and biophysical properties (such as structural, functional, and spatial information, amino acid conservation, physicochemical variation, residue mobility, and thermodynamic stability) has been performed for this missense variant. However, the output from this modeling did not meet the statistical confidence thresholds required to predict the impact of this variant on MYO1E protein function. In summary, the available evidence is currently insufficient to determine the role of this variant in disease. Therefore, it has been classified as a Variant of Uncertain Significance.

Fulgent Genetics
Classification: Uncertain significance for Focal segmental glomerulosclerosis 6. Last evaluated: 2024-05-02. Review status: criteria provided, single submitter. Criteria: ACMG Guidelines, 2015. Collection method: clinical testing. Allele origin: germline.

Ambry Genetics
Classification: Uncertain significance for Inborn genetic diseases. Last evaluated: 2024-03-19. Review status: criteria provided, single submitter. Criteria: Ambry Variant Classification Scheme 2023. Collection method: clinical testing. Allele origin: germline.